The following is an entry in ClinVar:

NM_000545.8(HNF1A):c.439C>G (p.His147Asp)

Gene: HNF1A (HNF1 homeobox A; plus strand). Cytogenetic location: 12q24.31.
Variant type: single nucleotide variant.
Coding change: c.439C>G on transcript NM_000545.8 (MANE Select); coding-DNA position 439, C replaced by G.
Protein change: p.His147Asp; replaces histidine 147 with aspartic acid.
Molecular consequence: missense variant.
Genome position (GRCh38, 1-based): chr12:120,988,945, C>G. VCF-style: chr12-120988945-C-G. GRCh37 (hg19) VCF-style: chr12-121426748-C-G.
Other names: NM_001306179.2:c.439C>G; c.439C>G, p.His147Asp (NM_001306179.2, NM_001406915.1); short protein forms H147D.
Identifiers: ClinVar variation 4531185 (VCV004531185.1).
Genomic context (GRCh38, chr12:120,988,945, plus strand): 5'-AACATCCCACAGCGGGAGGTGGTCGATACCACTGGCCTCAACCAGTCCCACCTGTCCCAA[C>G]ACCTCAACAAGGGCACTCCCATGAAGACGCAGAAGCGGGCCGCCCTGTACACCTGGTACG-3'
Protein context (NP_000536.6, residues 137-157): TGLNQSHLSQ[His147Asp]LNKGTPMKTQ

ClinVar aggregate classification (germline): Likely pathogenic (3 of 4 stars; one submission).

Conditions:
Monogenic diabetes. Identifiers: Orphanet 183625, MedGen C3888631, MONDO:0015967.

Submission:

ClinGen Monogenic Diabetes Variant Curation Expert Panel
Classification: Likely pathogenic for Monogenic diabetes. Last evaluated: 2025-10-27. Review status: reviewed by expert panel. Criteria: ClinGen Diabetes ACMG Specifications HNF1A V3.1.0. Collection method: curation. Allele origin: germline. Inheritance: Autosomal dominant inheritance.
Comment: The c.439C>G variant in the HNF1 homeobox A gene, HNF1A, causes an amino acid change of histidine to aspartic acid at codon 147(p.(His147Asp)) of NM_000545.8. This variant is absent from gnomAD v4.1.0 (PM2_Supporting). This variant resides in an amino acid within the HNF1α DNA binding domain that directly binds DNA, which is defined as critical for the protein’s function by the ClinGen MDEP (PM1). This variant is predicted to be deleterious by computational evidence, with a REVEL score of 0.914, which is greater than the MDEP VCEP threshold of 0.70 (PP3). This variant was identified in two unrelated individuals with non-autoimmune and non-absolute/near-absolute insulin-deficient diabetes; however, PS4_Moderate cannot be applied because this number is below the ClinGen MDEP threshold (internal lab contributors). One of these individuals did have a clinical history highly specific for HNF1A-monogenic diabetes (MODY probability calculator result >50%, negative genetic testing for HNF4A, and sulfonyurea sensitive) (PP4_Moderate; internal lab contributors). In summary, c.439C>G meets the criteria to be classified as likely pathogenic for monogenic diabetes. ACMG/AMP criteria applied, as specified by the ClinGen MDEP (specification version 3.1.0, approved 10/10/2025): PM1, PP4_Moderate, PM2_Supporting, PP3.